The following is an entry in ClinVar:

ClinVar aggregate classification (germline): Likely benign (1 of 4 stars; one submission).

Allele frequency attached by ClinVar (database versions not stated): 1000 Genomes Project 0.00020; 1000 Genomes Project 30x 0.00031; ExAC 0.00128; TOPMed 0.00172; gnomAD 0.00196; gnomAD exomes 0.00248.
gnomAD v4.1: 920 of 399,188 alleles (0.23%); highest among the groups gnomAD compares: Middle Eastern, 0.75%; 2 homozygotes.

Submission:

CeGaT Center for Human Genetics Tuebingen
Classification: Likely benign. Last evaluated: 2022-09-01. Review status: criteria provided, single submitter. Criteria: CeGaT Center For Human Genetics Tuebingen Variant Classification Criteria Version 2. Collection method: clinical testing. Allele origin: germline. Affected: yes. Observed: 2 variant alleles.
Comment: LOC400499: BP4, BP7

NM_001370704.1(APOLTP):c.6561G>A (p.Glu2187=)

Gene: APOLTP (apolipoprotein lipid transfer particle homolog; minus strand). Cytogenetic location: 16p13.13.
Variant type: single nucleotide variant.
Coding change: c.6561G>A on transcript NM_001370704.1 (MANE Select); coding-DNA position 6561, G replaced by A.
Protein change: p.Glu2187=; no amino-acid change (glutamic acid 2187 retained).
Molecular consequence: synonymous variant.
Genome position (GRCh38, 1-based): chr16:11,417,663, C>T on the plus strand (G>A on the coding strand, the complement: APOLTP is on the minus strand). VCF-style: chr16-11417663-C-T. GRCh37 (hg19) VCF-style: chr16-11511519-C-T.
Other names: c.6399G>A, p.Glu2133= (NM_001395505.1).
Identifiers: ClinVar variation 2646219 (VCV002646219.24), dbSNP rs576805773, ClinGen allele CA7903300.